The following is an entry in ClinVar:

NM_000081.4(LYST):c.5620T>A (p.Phe1874Ile)

Gene: LYST (lysosomal trafficking regulator; minus strand). Cytogenetic location: 1q42.3.
Variant type: single nucleotide variant.
Coding change: c.5620T>A on transcript NM_000081.4 (MANE Select); coding-DNA position 5620, T replaced by A.
Protein change: p.Phe1874Ile; replaces phenylalanine 1874 with isoleucine.
Molecular consequence: missense variant.
Genome position (GRCh38, 1-based): chr1:235,774,927, A>T on the plus strand (T>A on the coding strand, the complement: LYST is on the minus strand). VCF-style: chr1-235774927-A-T. GRCh37 (hg19) VCF-style: chr1-235938227-A-T.
Other names: c.5620T>A, p.Phe1874Ile (NM_001301365.1); short protein forms F1874I.
Identifiers: ClinVar variation 546234 (VCV000546234.9), dbSNP rs757494655, ClinGen allele CA1466583.

ClinVar aggregate classification (germline): Uncertain significance. Review status: criteria provided, multiple submitters, no conflicts (2 of 4 stars). 3 submissions from 3 submitters: Uncertain significance (3). Last evaluated 2024-06-13.

Conditions:
Chédiak-Higashi syndrome (CHS). Also called: Chediak-Higashi Syndrome. Identifiers: Orphanet 167, MedGen C0007965, MONDO:0008963, OMIM 214500.

Allele frequency attached by ClinVar (database versions not stated): gnomAD exomes below 0.00001 and 0.00001; ExAC 0.00001; gnomAD 0.00001; TOPMed 0.00002.
gnomAD v4.1: 4 of 1,608,580 alleles (0.00025%); highest among the groups gnomAD compares: Admixed American, 0.0067%; no homozygotes.

Submissions (3):

Labcorp Genetics (formerly Invitae), Labcorp
Classification: Uncertain significance for Chédiak-Higashi syndrome. Last evaluated: 2024-06-13. Review status: criteria provided, single submitter. Criteria: Invitae Variant Classification Sherloc (09022015). Collection method: clinical testing. Allele origin: germline.
Comment: This sequence change replaces phenylalanine, which is neutral and non-polar, with isoleucine, which is neutral and non-polar, at codon 1874 of the LYST protein (p.Phe1874Ile). This variant is present in population databases (rs757494655, gnomAD 0.006%). This variant has not been reported in the literature in individuals affected with LYST-related conditions. ClinVar contains an entry for this variant (Variation ID: 546234). Advanced modeling of protein sequence and biophysical properties (such as structural, functional, and spatial information, amino acid conservation, physicochemical variation, residue mobility, and thermodynamic stability) has been performed at Invitae for this missense variant, however the output from this modeling did not meet the statistical confidence thresholds required to predict the impact of this variant on LYST protein function. In summary, the available evidence is currently insufficient to determine the role of this variant in disease. Therefore, it has been classified as a Variant of Uncertain Significance.

Fulgent Genetics
Classification: Uncertain significance for Chédiak-Higashi syndrome. Last evaluated: 2021-08-19. Review status: criteria provided, single submitter. Criteria: ACMG Guidelines, 2015. Collection method: clinical testing. Allele origin: unknown.

GeneDx
Classification: Uncertain significance. Last evaluated: 2018-05-17. Review status: criteria provided, single submitter. Criteria: GeneDx Variant Classification (06012015). Collection method: clinical testing. Allele origin: germline. Affected: yes.
Comment: The F1874I variant in the LYST gene has not been reported previously as a pathogenic variant, nor as a benign variant, to our knowledge. The F1874I variant is observed in 2/245024 alleles in large population cohorts, with no homozygotes observed (Lek et al., 2016). The F1874I variant is a conservative amino acid substitution, which is not likely to impact secondary protein structure as these residues share similar properties. In-silico analyses, including protein predictors and evolutionary conservation, support a deleterious effect. We interpret F1874I as a variant of uncertain significance.